The following is an entry in ClinVar:

NM_006445.4(PRPF8):c.6922G>A (p.Val2308Met)

Gene: PRPF8 (pre-mRNA processing factor 8; minus strand). Cytogenetic location: 17p13.3.
Variant type: single nucleotide variant.
Coding change: c.6922G>A on transcript NM_006445.4 (MANE Select); coding-DNA position 6922, G replaced by A.
Protein change: p.Val2308Met; replaces valine 2308 with methionine.
Molecular consequence: missense variant.
Genome position (GRCh38, 1-based): chr17:1,650,888, C>T on the plus strand (G>A on the coding strand, the complement: PRPF8 is on the minus strand). VCF-style: chr17-1650888-C-T. GRCh37 (hg19) VCF-style: chr17-1554182-C-T.
Other names: short protein forms V2308M.
Identifiers: ClinVar variation 4976192 (VCV004976192.1).
Genomic context (GRCh38, chr17:1,650,888, plus strand): 5'-CAGAGTAAACCTCCCCCTCCTGCAGGAGAGCAAAGTTGAGGAAGTGAGAGGGCCTGTGCA[C>T]CTCGTGGTAGAACTCTTTGGGGTTCGCCAGCTGTAGCTCATATTTCATGTTGGGGTCATG-3'
Protein context (NP_006436.3, residues 2298-2318): LANPKEFYHE[Val2308Met]HRPSHFLNFA

ClinVar aggregate classification (germline): Uncertain significance (1 of 4 stars; one submission).

Submission:

GeneDx
Classification: Uncertain significance. Last evaluated: 2026-02-21. Review status: criteria provided, single submitter. Criteria: GeneDx Variant Classification Process June 2021. Collection method: clinical testing. Allele origin: germline.
Comment: Not observed at significant frequency in large population cohorts (gnomAD); In silico analysis suggests that this missense variant does not alter protein structure/function; Has not been previously published as pathogenic or benign to our knowledge; This variant is associated with the following publications: (PMID: 17317632, 23704370)